The following is an entry in ClinVar:

NM_001172509.2(SATB2):c.728C>A (p.Ser243Ter)

Gene: SATB2 (SATB homeobox 2; minus strand). Cytogenetic location: 2q33.1.
Variant type: single nucleotide variant.
Coding change: c.728C>A on transcript NM_001172509.2 (MANE Select); coding-DNA position 728, C replaced by A.
Protein change: p.Ser243Ter; replaces serine 243 with a stop codon.
Molecular consequence: nonsense.
Genome position (GRCh38, 1-based): chr2:199,349,146, G>T on the plus strand (C>A on the coding strand, the complement: SATB2 is on the minus strand). VCF-style: chr2-199349146-G-T. GRCh37 (hg19) VCF-style: chr2-200213869-G-T.
Other names: c.728C>A, p.Ser243Ter (NM_001172517.1, NM_015265.4); short protein forms S243*.
Identifiers: ClinVar variation 4291955 (VCV004291955.1).

ClinVar aggregate classification (germline): Likely pathogenic (1 of 4 stars; one submission).

Conditions:
Chromosome 2q32-q33 deletion syndrome (GLASS). Also called: Glass syndrome; 2q33.1 deletion syndrome. Identifiers: Orphanet 251019, MedGen C2676739, MONDO:0012864, OMIM 612313.

Submission:

3billion
Classification: Likely pathogenic for Chromosome 2q32-q33 deletion syndrome. Last evaluated: 2024-09-28. Review status: criteria provided, single submitter. Criteria: ACMG Guidelines, 2015. Collection method: clinical testing. Allele origin: germline. Affected: yes.
Comment: The variant is not observed in the gnomAD v4.1.0 dataset. Predicted Consequence/Location: Stop-gained (nonsense): predicted to result in a loss or disruption of normal protein function through nonsense-mediated decay (NMD) or protein truncation. Multiple pathogenic variants are reported downstream of the variant. Therefore, this variant is classified as Likely pathogenic according to the recommendation of ACMG/AMP guideline.